The following is an entry in ClinVar:

NM_004046.6(ATP5F1A):c.483+15C>T

Gene: ATP5F1A (ATP synthase F1 subunit alpha; minus strand). Cytogenetic location: 18q21.1.
Variant type: single nucleotide variant.
Coding change: c.483+15C>T on transcript NM_004046.6 (MANE Select); 15 bases into the intron after coding-DNA position 483, C replaced by T.
Molecular consequence: intron variant.
Genome position (GRCh38, 1-based): chr18:46,089,808, G>A on the plus strand (C>T on the coding strand, the complement: ATP5F1A is on the minus strand). VCF-style: chr18-46089808-G-A. GRCh37 (hg19) VCF-style: chr18-43669774-G-A.
Other names: c.483+15C>T (NM_001001937.2); c.418-76C>T (NM_001257334.2); c.333+15C>T (NM_001001935.3, NM_001257335.2).
Identifiers: ClinVar variation 381166 (VCV000381166.10), dbSNP rs202110837, ClinGen allele CA8950802.

ClinVar aggregate classification (germline): Benign/Likely benign. Review status: criteria provided, multiple submitters, no conflicts (2 of 4 stars). 3 submissions from 3 submitters: Benign (1); Likely benign (2). Last evaluated 2025-10-28.

Allele frequency attached by ClinVar (database versions not stated): 1000 Genomes Project 0.00060; 1000 Genomes Project 30x 0.00062; ExAC 0.00062; gnomAD exomes 0.00071 and 0.00114; ESP Exome Variant Server 0.00092; gnomAD 0.00098 and 0.00104; TOPMed 0.00158.
gnomAD v4.1: 1,820 of 1,609,272 alleles (0.11%); highest among the groups gnomAD compares: Admixed American, 0.17%; 4 homozygotes.

Submissions (3):

Labcorp Genetics (formerly Invitae), Labcorp
Classification: Benign. Last evaluated: 2025-10-28. Review status: criteria provided, single submitter. Criteria: Invitae Variant Classification Sherloc (09022015). Collection method: clinical testing. Allele origin: germline.

GeneDx
Classification: Likely benign. Last evaluated: 2017-09-06. Review status: criteria provided, single submitter. Criteria: GeneDx Variant Classification (06012015). Collection method: clinical testing. Allele origin: germline. Affected: yes.
Comment: This variant is considered likely benign or benign based on one or more of the following criteria: it is a conservative change, it occurs at a poorly conserved position in the protein, it is predicted to be benign by multiple in silico algorithms, and/or has population frequency not consistent with disease.

Center for Pediatric Genomic Medicine, Children's Mercy Hospital and Clinics
Classification: Likely benign. Last evaluated: 2017-04-18. Review status: criteria provided, single submitter. Criteria: ACMG Guidelines, 2015. Collection method: clinical testing. Allele origin: germline.